The following is an entry in ClinVar:

NM_004656.4(BAP1):c.379A>G (p.Lys127Glu)

Gene: BAP1 (BRCA1 associated deubiquitinase 1; minus strand). Cytogenetic location: 3p21.1.
Variant type: single nucleotide variant.
Coding change: c.379A>G on transcript NM_004656.4 (MANE Select); coding-DNA position 379, A replaced by G.
Protein change: p.Lys127Glu; replaces lysine 127 with glutamic acid.
Molecular consequence: missense variant.
Genome position (GRCh38, 1-based): chr3:52,407,457, T>C on the plus strand (A>G on the coding strand, the complement: BAP1 is on the minus strand). VCF-style: chr3-52407457-T-C. GRCh37 (hg19) VCF-style: chr3-52441473-T-C.
Other names: c.379A>G (NM_004656.2); short protein forms K127E.
Identifiers: ClinVar variation 965857 (VCV000965857.8), dbSNP rs1705203370, ClinGen allele CA353111323.

ClinVar aggregate classification (germline): Uncertain significance. Review status: criteria provided, multiple submitters, no conflicts (2 of 4 stars). 2 submissions from 2 submitters: Uncertain significance (2). Last evaluated 2025-07-27.

Conditions:
Hereditary cancer-predisposing syndrome. Also called: Hereditary neoplastic syndrome; Neoplastic Syndromes, Hereditary; Hereditary Cancer Syndrome; Tumor predisposition. Identifiers: Orphanet 140162, MedGen C0027672, MeSH D009386, MONDO:0015356.
BAP1-related tumor predisposition syndrome (TPDS1). Also called: Tumor susceptibility linked to germline BAP1 mutations; COMMON Syndrome; TUMOR PREDISPOSITION SYNDROME 1; BAP1 tumor predisposition syndrome. Identifiers: Orphanet 289539, MedGen C3280492, MONDO:0013692, OMIM 614327.

Submissions (2):

Labcorp Genetics (formerly Invitae), Labcorp
Classification: Uncertain significance for BAP1-related tumor predisposition syndrome. Last evaluated: 2025-07-27. Review status: criteria provided, single submitter. Criteria: Invitae Variant Classification Sherloc (09022015). Collection method: clinical testing. Allele origin: germline.
Comment: This sequence change replaces lysine, which is basic and polar, with glutamic acid, which is acidic and polar, at codon 127 of the BAP1 protein (p.Lys127Glu). This variant is not present in population databases (gnomAD no frequency). This variant has not been reported in the literature in individuals affected with BAP1-related conditions. ClinVar contains an entry for this variant (Variation ID: 965857). Invitae Evidence Modeling of protein sequence and biophysical properties (such as structural, functional, and spatial information, amino acid conservation, physicochemical variation, residue mobility, and thermodynamic stability) indicates that this missense variant is expected to disrupt BAP1 protein function with a positive predictive value of 80%. In summary, the available evidence is currently insufficient to determine the role of this variant in disease. Therefore, it has been classified as a Variant of Uncertain Significance.

Ambry Genetics
Classification: Uncertain significance for Hereditary cancer-predisposing syndrome. Last evaluated: 2024-12-24. Review status: criteria provided, single submitter. Criteria: Ambry Variant Classification Scheme 2023. Collection method: clinical testing. Allele origin: germline.
Comment: The p.K127E variant (also known as c.379A>G), located in coding exon 6 of the BAP1 gene, results from an A to G substitution at nucleotide position 379. The lysine at codon 127 is replaced by glutamic acid, an amino acid with similar properties. This alteration was non-functional in a high throughput genome editing haploid cell survival assay (Waters AJ et al. Nat Genet, 2024 Jul;56:1434-1445). This amino acid position is highly conserved in available vertebrate species. In addition, this alteration is predicted to be deleterious by in silico analysis. Based on the available evidence, the clinical significance of this variant remains unclear.

Literature cited by the submitters: PubMed 38969833 (cited by Ambry Genetics).